The following is an entry in ClinVar:

NM_178857.6(RP1L1):c.6596C>T (p.Pro2199Leu)

Gene: RP1L1 (RP1 like 1). Cytogenetic location: 8p23.1.
Variant type: single nucleotide variant.
Coding change: c.6596C>T on transcript NM_178857.6 (MANE Select); coding-DNA position 6596, C replaced by T.
Protein change: p.Pro2199Leu; replaces proline 2199 with leucine.
Molecular consequence: missense variant.
Genome position (GRCh38, 1-based): chr8:10,607,502, G>A on the plus strand (C>T on the coding strand, the complement: RP1L1 is on the minus strand). VCF-style: chr8-10607502-G-A. GRCh37 (hg19) VCF-style: chr8-10465012-G-A.
Other names: short protein forms P2199L.
Identifiers: ClinVar variation 361219 (VCV000361219.7), dbSNP rs75797924, ClinGen allele CA4623245.

ClinVar aggregate classification (germline): Benign. Review status: criteria provided, multiple submitters, no conflicts (2 of 4 stars). 3 submissions from 3 submitters: Benign (3). Last evaluated 2023-10-01.

Conditions:
Occult macular dystrophy (OCMD). Also called: OMD; OCCULT MACULAR DYSTROPHY, SUSCEPTIBILITY TO. Identifiers: Orphanet 247834, MedGen C3150833, MONDO:0013316, OMIM 613587, HP:0030636.
Retinal dystrophy. Also called: Inherited retinal dystrophy. Identifiers: Orphanet 71862, MedGen C0854723, MeSH D058499, MONDO:0019118, HP:0000556.

Allele frequency attached by ClinVar (database versions not stated): 1000 Genomes Project 30x 0.03404; 1000 Genomes Project 0.03454; ESP Exome Variant Server 0.04293; gnomAD 0.04835 and 0.04990; ExAC 0.05836; gnomAD exomes 0.05988.
gnomAD v4.1: 88,037 of 1,604,680 alleles (5.5%); highest among the groups gnomAD compares: South Asian, 7.5%; 2,765 homozygotes.

Submissions (3):

Dept Of Ophthalmology, Nagoya University
Classification: Benign for Retinal dystrophy. Last evaluated: 2023-10-01. Review status: criteria provided, single submitter. Criteria: Submitter's publication. Collection method: research. Allele origin: germline. Affected: yes.

Illumina Laboratory Services, Illumina
Classification: Benign for Occult macular dystrophy. Last evaluated: 2018-01-12. Review status: criteria provided, single submitter. Criteria: ICSL Variant Classification Criteria 13 December 2019. Collection method: clinical testing. Allele origin: germline.
Comment: This variant was observed in the ICSL laboratory as part of a predisposition screen in an ostensibly healthy population. It had not been previously curated by ICSL or reported in the Human Gene Mutation Database (HGMD: prior to June 1st, 2018), and was therefore a candidate for classification through an automated scoring system. Utilizing variant allele frequency, disease prevalence and penetrance estimates, and inheritance mode, an automated score was calculated to assess if this variant is too frequent to cause the disease. Based on the score and internal cut-off values, a variant classified as benign is not then subjected to further curation. The score for this variant resulted in a classification of benign for this disease.

Breakthrough Genomics
Classification: Benign. Review status: criteria provided, single submitter. Criteria: ACMG Guidelines, 2015. Collection method: not provided. Allele origin: germline. Inheritance: Autosomal recessive inheritance. Affected: yes.